The following is an entry in ClinVar:

NM_001009944.3(PKD1):c.9754G>A (p.Glu3252Lys)

Gene: PKD1 (polycystin 1, transient receptor potential channel interacting; minus strand). Cytogenetic location: 16p13.3.
Variant type: single nucleotide variant.
Coding change: c.9754G>A on transcript NM_001009944.3 (MANE Select); coding-DNA position 9754, G replaced by A.
Protein change: p.Glu3252Lys; replaces glutamic acid 3252 with lysine.
Molecular consequence: missense variant.
Genome position (GRCh38, 1-based): chr16:2,100,030, C>T on the plus strand (G>A on the coding strand, the complement: PKD1 is on the minus strand). VCF-style: chr16-2100030-C-T. GRCh37 (hg19) VCF-style: chr16-2150031-C-T.
Other names: c.9754G>A, p.Glu3252Lys (NM_000296.4); short protein forms E3252K.
Identifiers: ClinVar variation 3061888 (VCV003061888.1), dbSNP rs2544713808, ClinGen allele CA394354261.

ClinVar aggregate classification (germline): Uncertain significance (1 of 4 stars; one submission).

Conditions:
Polycystic kidney disease, adult type (PKD1). Also called: Polycystic Kidney, Autosomal Dominant; POLYCYSTIC KIDNEY DISEASE 1 WITH OR WITHOUT POLYCYSTIC LIVER DISEASE; Polycystic Kidney Disease 1, Autosomal Dominant; Polycystic kidney disease 1; Polycystic kidney disease 1, severe; POLYCYSTIC KIDNEY DISEASE, ADULT, TYPE I. Identifiers: MedGen C3149841, MONDO:0008263, OMIM 173900.

Submission:

MVZ Medizinische Genetik Mainz
Classification: Uncertain significance for Polycystic kidney disease, adult type. Last evaluated: 2023-10-23. Review status: criteria provided, single submitter. Criteria: UK Practice Guidelines For Variant Classification V4 01 2020. Collection method: clinical testing. Allele origin: germline. Inheritance: Autosomal dominant inheritance. Affected: yes. Observed: 1 variant allele.
Comment: PM2_SUP,BP4